The following is an entry in ClinVar:

ClinVar aggregate classification (germline): Uncertain significance. Review status: criteria provided, multiple submitters, no conflicts (2 of 4 stars). 3 submissions from 3 submitters: Uncertain significance (3). Last evaluated 2025-06-24.

Conditions:
Familial melanoma. Also called: Hereditary melanoma; Hereditary cutaneous melanoma. Identifiers: Orphanet 618, MedGen C1512419, MONDO:0018961.
Hereditary cancer-predisposing syndrome. Also called: Neoplastic Syndromes, Hereditary; Tumor predisposition; Hereditary Cancer Syndrome; Hereditary neoplastic syndrome. Identifiers: Orphanet 140162, MedGen C0027672, MeSH D009386, MONDO:0015356.

Allele frequency attached by ClinVar (database versions not stated): gnomAD exomes below 0.00001.

Submissions (3):

Labcorp Genetics (formerly Invitae), Labcorp
Classification: Uncertain significance for Familial melanoma. Last evaluated: 2025-06-24. Review status: criteria provided, single submitter. Criteria: Invitae Variant Classification Sherloc (09022015). Collection method: clinical testing. Allele origin: germline.
Comment: This sequence change affects the initiator codon of the CDKN2A (p16INK4a) mRNA. This change may impact translation initiation or efficiency. The next in-frame methionine is located at codon 9. This variant is not present in population databases (gnomAD no frequency). This variant has not been reported in the literature in individuals affected with CDKN2A (p16INK4a)-related conditions. ClinVar contains an entry for this variant (Variation ID: 820481). In summary, the available evidence is currently insufficient to determine the role of this variant in disease. Therefore, it has been classified as a Variant of Uncertain Significance.

GeneDx
Classification: Uncertain significance. Last evaluated: 2023-10-24. Review status: criteria provided, single submitter. Criteria: GeneDx Variant Classification Process June 2021. Collection method: clinical testing. Allele origin: germline. Affected: yes.
Comment: Initiation codon variant in a gene with a potential alternative initiation codon (PMID: 8259215); Not observed at significant frequency in large population cohorts (gnomAD); Has not been previously published as pathogenic or benign to our knowledge

Ambry Genetics
Classification: Uncertain significance for Hereditary cancer-predisposing syndrome. Last evaluated: 2023-02-03. Review status: criteria provided, single submitter. Criteria: Ambry Variant Classification Scheme 2023. Collection method: clinical testing. Allele origin: germline.
Comment: The p.M1? variant (also known as c.1A>G) is located in coding exon 1 of the CDKN2A gene and results from an A to G substitution at nucleotide position 1. This alters the methionine residue at the initiation codon (ATG). Variations that modify the initiation codon (ATG) are expected to result in either loss of translation initiation, N-terminal truncation, or cause a shift in the mRNA reading frame; however there is an in-frame methionine eight amino acids from the initiation site, which may result in N-terminal truncation of unknown functional significance. Since supporting evidence is limited at this time, the clinical significance of this alteration remains unclear.

NM_000077.5(CDKN2A):c.1A>G (p.Met1Val)

Genes: CDKN2A (cyclin dependent kinase inhibitor 2A; minus strand), LOC130001603 (ATAC-STARR-seq lymphoblastoid silent region 19811; plus strand). Cytogenetic location: 9p21.3.
Variant type: single nucleotide variant.
Coding change: c.1A>G on transcript NM_000077.5; coding-DNA position 1, A replaced by G.
Protein change: p.Met1Val; changes the start codon (methionine 1).
Molecular consequence: missense variant (on NM_000077.6). On other transcripts: initiator codon variant (2), intron variant (2).
Genome position (GRCh38, 1-based): chr9:21,974,827, T>C on the plus strand (A>G on the coding strand, the complement: CDKN2A is on the minus strand). VCF-style: chr9-21974827-T-C. GRCh37 (hg19) VCF-style: chr9-21974826-T-C.
Other names: c.1A>G, p.Met1Val (NM_000077.6, NM_001195132.2, NM_058197.5); c.-3-3619A>G (NM_001363763.2); c.194-3619A>G (NM_058195.4); short protein forms M1V.
Identifiers: ClinVar variation 820481 (VCV000820481.13), dbSNP rs1587340603, ClinGen allele CA373086747.